The following is an entry in ClinVar:

ClinVar aggregate classification (germline): Likely benign. Review status: criteria provided, multiple submitters, no conflicts (2 of 4 stars). 4 submissions from 4 submitters: Likely benign (3). 1 of the submissions does not count toward it. Last evaluated 2026-07-01.

Conditions:
BMPR1B-related disorder. Also called: BMPR1B-related condition.
Acromesomelic dysplasia 3 (AMD3). Also called: Acromesomelic dysplasia, Demirhan type; CHONDRODYSPLASIA, ACROMESOMELIC, WITH OR WITHOUT GENITAL ANOMALIES. Identifiers: MedGen C4225404, MONDO:0012274, OMIM 609441.
Type A2 brachydactyly (BDA2). Also called: BRACHYMESOPHALANGY II; MOHR-WRIEDT TYPE BRACHYDACTYLY; Brachymesophalangy type 2. Identifiers: Orphanet 93396, MedGen C1832702, MONDO:0007216, OMIM 112600, HP:0009372.

Allele frequency attached by ClinVar (database versions not stated): ExAC 0.00024; gnomAD 0.00024 and 0.00031; gnomAD exomes 0.00028; TOPMed 0.00034; ESP Exome Variant Server 0.00038.
gnomAD v4.1: 481 of 1,610,654 alleles (0.03%); highest among the groups gnomAD compares: Admixed American, 0.037%; 1 homozygote.

Submissions (4):

CeGaT Center for Human Genetics Tuebingen
Classification: Likely benign. Last evaluated: 2026-07-01. Review status: criteria provided, single submitter. Criteria: CeGaT Center For Human Genetics Tuebingen Variant Classification Criteria Version 2. Collection method: clinical testing. Allele origin: germline. Affected: yes. Observed: 1 variant allele.
Comment: BMPR1B: BP4, BP7

Labcorp Genetics (formerly Invitae), Labcorp
Classification: Likely benign for Type A2 brachydactyly; Acromesomelic dysplasia 3. Last evaluated: 2025-10-13. Review status: criteria provided, single submitter. Criteria: Invitae Variant Classification Sherloc (09022015). Collection method: clinical testing. Allele origin: germline.

Blueprint Genetics
Classification: Likely benign. Last evaluated: 2024-11-21. Review status: criteria provided, single submitter. Criteria: ACMG Guidelines, 2015. Collection method: clinical testing. Allele origin: germline.

PreventionGenetics, part of Exact Sciences
Classification: Likely benign for BMPR1B-related condition. Last evaluated: 2023-11-20. Review status: no assertion criteria provided. Collection method: clinical testing. Allele origin: germline. Not counted in ClinVar's aggregate classification.
Comment: This variant is classified as likely benign based on ACMG/AMP sequence variant interpretation guidelines (Richards et al. 2015 PMID: 25741868, with internal and published modifications).

NM_001203.3(BMPR1B):c.430T>C (p.Leu144=)

Gene: BMPR1B (bone morphogenetic protein receptor type 1B; plus strand). Cytogenetic location: 4q22.3.
Variant type: single nucleotide variant.
Coding change: c.430T>C on transcript NM_001203.3 (MANE Select); coding-DNA position 430, T replaced by C.
Protein change: p.Leu144=; no amino-acid change (leucine 144 retained).
Molecular consequence: synonymous variant.
Genome position (GRCh38, 1-based): chr4:95,123,890, T>C. VCF-style: chr4-95123890-T-C. GRCh37 (hg19) VCF-style: chr4-96045041-T-C.
Other names: c.430T>C, p.Leu144= (NM_001256792.2, NM_001256794.1); c.520T>C, p.Leu174= (NM_001256793.2).
Identifiers: ClinVar variation 464044 (VCV000464044.16), dbSNP rs55980670, ClinGen allele CA3014971.